The following is an entry in ClinVar:

NM_018451.5(CPAP):c.1960G>A (p.Ala654Thr)

Gene: CPAP (centrosome assembly and centriole elongation protein; minus strand). Cytogenetic location: 13q12.13.
Variant type: single nucleotide variant.
Coding change: c.1960G>A on transcript NM_018451.5 (MANE Select); coding-DNA position 1960, G replaced by A.
Protein change: p.Ala654Thr; replaces alanine 654 with threonine.
Molecular consequence: missense variant. On other transcripts: non-coding transcript variant (2).
Genome position (GRCh38, 1-based): chr13:24,906,078, C>T on the plus strand (G>A on the coding strand, the complement: CPAP is on the minus strand). VCF-style: chr13-24906078-C-T. GRCh37 (hg19) VCF-style: chr13-25480216-C-T.
Other names: short protein forms A654T.
Identifiers: ClinVar variation 158198 (VCV000158198.21), dbSNP rs140927921, ClinGen allele CA271253.

ClinVar aggregate classification (germline): Conflicting classifications of pathogenicity. Review status: criteria provided, conflicting classifications (1 of 4 stars). 7 submissions from 6 submitters: Uncertain significance (3); Likely benign (4). Last evaluated 2026-09-01.

Conditions:
Seckel syndrome 4 (SCKL4). Identifiers: Orphanet 808, MedGen C3888212, MONDO:0013358, OMIM 613676.
Microcephaly 6, primary, autosomal recessive. Identifiers: Orphanet 2512, MedGen C1842109, MONDO:0012029, OMIM 608393.

Allele frequency attached by ClinVar (database versions not stated): 1000 Genomes Project 30x 0.00031; 1000 Genomes Project 0.00040; ESP Exome Variant Server 0.00108; gnomAD 0.00117 and 0.00121; TOPMed 0.00119.
gnomAD v4.1: 2,543 of 1,612,736 alleles (0.16%); highest among the groups gnomAD compares: Middle Eastern, 0.46%; 2 homozygotes.

Submissions (7):

CeGaT Center for Human Genetics Tuebingen
Classification: Likely benign. Last evaluated: 2026-09-01. Review status: criteria provided, single submitter. Criteria: CeGaT Center For Human Genetics Tuebingen Variant Classification Criteria Version 2. Collection method: clinical testing. Allele origin: germline. Affected: yes. Observed: 2 variant alleles.
Comment: CPAP: BP4

Labcorp Genetics (formerly Invitae), Labcorp
Classification: Likely benign. Last evaluated: 2025-09-14. Review status: criteria provided, single submitter. Criteria: Invitae Variant Classification Sherloc (09022015). Collection method: clinical testing. Allele origin: germline.

Blueprint Genetics
Classification: Likely benign. Last evaluated: 2024-11-25. Review status: criteria provided, single submitter. Criteria: ACMG Guidelines, 2015. Collection method: clinical testing. Allele origin: germline.

Illumina Laboratory Services, Illumina
Classification: Uncertain significance for Microcephaly 6, primary, autosomal recessive. Last evaluated: 2018-01-12. Review status: criteria provided, single submitter. Criteria: ICSL Variant Classification Criteria 13 December 2019. Collection method: clinical testing. Allele origin: germline.

Illumina Laboratory Services, Illumina
Classification: Uncertain significance for Seckel syndrome 4. Last evaluated: 2018-01-12. Review status: criteria provided, single submitter. Criteria: ICSL Variant Classification Criteria 13 December 2019. Collection method: clinical testing. Allele origin: germline.

GeneDx
Classification: Likely benign. Last evaluated: 2017-10-02. Review status: criteria provided, single submitter. Criteria: GeneDx Variant Classification (06012015). Collection method: clinical testing. Allele origin: germline. Affected: yes.
Comment: This variant is considered likely benign or benign based on one or more of the following criteria: it is a conservative change, it occurs at a poorly conserved position in the protein, it is predicted to be benign by multiple in silico algorithms, and/or has population frequency not consistent with disease.

Genetic Services Laboratory, University of Chicago
Classification: Uncertain significance for Microcephaly 6, primary, autosomal recessive. Last evaluated: 2014-03-24. Review status: criteria provided, single submitter. Criteria: ACMG Guidelines, 2007. Collection method: clinical testing. Allele origin: germline. Inheritance: Autosomal recessive inheritance.